The following is an entry in ClinVar:

NM_006015.6(ARID1A):c.2363A>G (p.Tyr788Cys)

Gene: ARID1A (AT-rich interaction domain 1A; plus strand). Cytogenetic location: 1p36.11.
Variant type: single nucleotide variant.
Coding change: c.2363A>G on transcript NM_006015.6 (MANE Select); coding-DNA position 2363, A replaced by G.
Protein change: p.Tyr788Cys; replaces tyrosine 788 with cysteine.
Molecular consequence: missense variant.
Genome position (GRCh38, 1-based): chr1:26,762,263, A>G. VCF-style: chr1-26762263-A-G. GRCh37 (hg19) VCF-style: chr1-27088754-A-G.
Other names: c.2363A>G, p.Tyr788Cys (NM_139135.4); short protein forms Y788C.
Identifiers: ClinVar variation 4798565 (VCV004798565.1).
Genomic context (GRCh38, chr1:26,762,263, plus strand): 5'-GCTCAGCCTTATCTCCGCGTCAGCCTTCCGGAGGACAGATACACACAGGCATGGGCTCCT[A>G]CCAGCAGAACTCCATGGGGAGCTATGGTCCCCAGGGGGGTCAGTATGGCCCACAAGGTCA-3'
Protein context (NP_006006.3, residues 778-798): GGQIHTGMGS[Tyr788Cys]QQNSMGSYGP

ClinVar aggregate classification (germline): Uncertain significance (1 of 4 stars; one submission).

Submission:

Labcorp Genetics (formerly Invitae), Labcorp
Classification: Uncertain significance. Last evaluated: 2025-04-17. Review status: criteria provided, single submitter. Criteria: Invitae Variant Classification Sherloc (09022015). Collection method: clinical testing. Allele origin: germline.
Comment: This sequence change replaces tyrosine, which is neutral and polar, with cysteine, which is neutral and slightly polar, at codon 788 of the ARID1A protein (p.Tyr788Cys). This variant is not present in population databases (gnomAD no frequency). This variant has not been reported in the literature in individuals affected with ARID1A-related conditions. Invitae Evidence Modeling of protein sequence and biophysical properties (such as structural, functional, and spatial information, amino acid conservation, physicochemical variation, residue mobility, and thermodynamic stability) has been performed for this missense variant. However, the output from this modeling did not meet the statistical confidence thresholds required to predict the impact of this variant on ARID1A protein function. In summary, the available evidence is currently insufficient to determine the role of this variant in disease. Therefore, it has been classified as a Variant of Uncertain Significance.